The following is an entry in ClinVar:

NM_001854.4(COL11A1):c.1393C>T (p.Pro465Ser)

Gene: COL11A1 (collagen type XI alpha 1 chain; minus strand). Cytogenetic location: 1p21.1.
Variant type: single nucleotide variant.
Coding change: c.1393C>T on transcript NM_001854.4 (MANE Select); coding-DNA position 1393, C replaced by T.
Protein change: p.Pro465Ser; replaces proline 465 with serine.
Molecular consequence: missense variant. On other transcripts: non-coding transcript variant (1).
Genome position (GRCh38, 1-based): chr1:103,017,840, G>A on the plus strand (C>T on the coding strand, the complement: COL11A1 is on the minus strand). VCF-style: chr1-103017840-G-A. GRCh37 (hg19) VCF-style: chr1-103483396-G-A.
Other names: c.1276C>T, p.Pro426Ser (NM_001190709.2); c.1429C>T, p.Pro477Ser (NM_080629.3); c.1045C>T, p.Pro349Ser (NM_080630.4); short protein forms P465S, P349S, P477S, P426S.
Identifiers: ClinVar variation 3660105 (VCV003660105.2).

ClinVar aggregate classification (germline): Uncertain significance (1 of 4 stars; one submission).

gnomAD v4.1: 1 of 1,613,002 alleles (0.000062%); highest among the groups gnomAD compares: Non-Finnish European, 0.000085%; no homozygotes.

Submission:

Labcorp Genetics (formerly Invitae), Labcorp
Classification: Uncertain significance. Last evaluated: 2024-07-30. Review status: criteria provided, single submitter. Criteria: Invitae Variant Classification Sherloc (09022015). Collection method: clinical testing. Allele origin: germline.
Comment: This sequence change replaces proline, which is neutral and non-polar, with serine, which is neutral and polar, at codon 465 of the COL11A1 protein (p.Pro465Ser). This variant is not present in population databases (gnomAD no frequency). This variant has not been reported in the literature in individuals affected with COL11A1-related conditions. Advanced modeling of protein sequence and biophysical properties (such as structural, functional, and spatial information, amino acid conservation, physicochemical variation, residue mobility, and thermodynamic stability) performed at Invitae indicates that this missense variant is not expected to disrupt COL11A1 protein function with a negative predictive value of 95%. In summary, the available evidence is currently insufficient to determine the role of this variant in disease. Therefore, it has been classified as a Variant of Uncertain Significance.